The following is an entry in ClinVar:

NM_058216.3(RAD51C):c.755T>A (p.Leu252Gln)

Gene: RAD51C (RAD51 paralog C; plus strand). Cytogenetic location: 17q22.
Variant type: single nucleotide variant.
Coding change: c.755T>A on transcript NM_058216.3 (MANE Select); coding-DNA position 755, T replaced by A.
Protein change: p.Leu252Gln; replaces leucine 252 with glutamine.
Molecular consequence: missense variant. On other transcripts: non-coding transcript variant (1).
Genome position (GRCh38, 1-based): chr17:58,709,908, T>A. VCF-style: chr17-58709908-T-A. GRCh37 (hg19) VCF-style: chr17-56787269-T-A.
Other names: short protein forms L252Q.
Identifiers: ClinVar variation 970479 (VCV000970479.9), dbSNP rs2048496750, ClinGen allele CA400353626.

ClinVar aggregate classification (germline): Uncertain significance (1 of 4 stars; one submission).

Conditions:
Fanconi anemia complementation group O. Also called: RAD51C-Related Fanconi Anemia. Identifiers: Orphanet 84, MedGen C3150653, MONDO:0013248, OMIM 613390.

Submission:

Labcorp Genetics (formerly Invitae), Labcorp
Classification: Uncertain significance for Fanconi anemia complementation group O. Last evaluated: 2019-11-12. Review status: criteria provided, single submitter. Criteria: Invitae Variant Classification Sherloc (09022015). Collection method: clinical testing. Allele origin: germline.
Comment: This sequence change replaces leucine with glutamine at codon 252 of the RAD51C protein (p.Leu252Gln). The leucine residue is moderately conserved and there is a moderate physicochemical difference between leucine and glutamine. This variant is not present in population databases (ExAC no frequency). This variant has not been reported in the literature in individuals with RAD51C-related conditions. Algorithms developed to predict the effect of missense changes on protein structure and function (SIFT, PolyPhen-2, Align-GVGD) all suggest that this variant is likely to be disruptive, but these predictions have not been confirmed by published functional studies and their clinical significance is uncertain. In summary, the available evidence is currently insufficient to determine the role of this variant in disease. Therefore, it has been classified as a Variant of Uncertain Significance.